The following is an entry in ClinVar:

NM_000138.5(FBN1):c.4507G>C (p.Val1503Leu)

Gene: FBN1 (fibrillin 1; minus strand). Cytogenetic location: 15q21.1.
Variant type: single nucleotide variant.
Coding change: c.4507G>C on transcript NM_000138.5 (MANE Select); coding-DNA position 4507, G replaced by C.
Protein change: p.Val1503Leu; replaces valine 1503 with leucine.
Molecular consequence: missense variant.
Genome position (GRCh38, 1-based): chr15:48,468,487, C>G on the plus strand (G>C on the coding strand, the complement: FBN1 is on the minus strand). VCF-style: chr15-48468487-C-G. GRCh37 (hg19) VCF-style: chr15-48760684-C-G.
Other names: c.4507G>C, p.Val1503Leu (NM_001406716.1); short protein forms V1503L.
Identifiers: ClinVar variation 3381735 (VCV003381735.1).

ClinVar aggregate classification (germline): Uncertain significance (1 of 4 stars; one submission).

gnomAD v4.1: 3 of 1,613,974 alleles (0.00019%); highest among the groups gnomAD compares: Admixed American, 0.005%; no homozygotes.

Submission:

GeneDx
Classification: Uncertain significance. Last evaluated: 2024-05-21. Review status: criteria provided, single submitter. Criteria: GeneDx Variant Classification Process June 2021. Collection method: clinical testing. Allele origin: germline. Affected: yes.
Comment: Has not been previously published as pathogenic or benign to our knowledge; Not observed at significant frequency in large population cohorts (gnomAD); Although located in a calcium-binding EGF-like domain of the FBN1 gene, it does not affect a cysteine residue within this domain; cysteine substitutions in the calcium-binding EGF-like domains represent the majority of pathogenic missense changes associated with FBN1-related disorders (PMID: 12938084); In silico analysis indicates that this missense variant does not alter protein structure/function; This variant is associated with the following publications: (PMID: 12938084)